The following is an entry in ClinVar:

ClinVar aggregate classification (germline): Likely benign (1 of 4 stars; one submission).

Submission:

CeGaT Center for Human Genetics Tuebingen
Classification: Likely benign. Last evaluated: 2022-12-01. Review status: criteria provided, single submitter. Criteria: CeGaT Center For Human Genetics Tuebingen Variant Classification Criteria Version 2. Collection method: clinical testing. Allele origin: germline. Affected: yes. Observed: 1 variant allele.
Comment: SLIT3: PM2:Supporting, BP4, BP7

NM_003062.4(SLIT3):c.3960C>A (p.Ala1320=)

Gene: SLIT3 (slit guidance ligand 3; minus strand). Cytogenetic location: 5q34.
Variant type: single nucleotide variant.
Coding change: c.3960C>A on transcript NM_003062.4 (MANE Select); coding-DNA position 3960, C replaced by A.
Protein change: p.Ala1320=; no amino-acid change (alanine 1320 retained).
Molecular consequence: synonymous variant.
Genome position (GRCh38, 1-based): chr5:168,671,365, G>T on the plus strand (C>A on the coding strand, the complement: SLIT3 is on the minus strand). VCF-style: chr5-168671365-G-T. GRCh37 (hg19) VCF-style: chr5-168098370-G-T.
Other names: c.3981C>A, p.Ala1327= (NM_001271946.2).
Identifiers: ClinVar variation 2656047 (VCV002656047.24), dbSNP rs2546428148, ClinGen allele CA447970658.